The following is an entry in ClinVar:

ClinVar aggregate classification (germline): Likely pathogenic (3 of 4 stars; one submission).

Conditions:
Phenylketonuria (PKU). Also called: FOLLING DISEASE; OLIGOPHRENIA PHENYLPYRUVICA; Phenylketonurias; Phenylketonuria (PKU). Identifiers: Orphanet 716, MedGen C0031485, MONDO:0009861, OMIM 261600. Disease mechanism: loss of function.

Submission:

ClinGen PAH Variant Curation Expert Panel
Classification: Likely pathogenic for Phenylketonuria. Last evaluated: 2025-11-29. Review status: reviewed by expert panel. Criteria: ClinGen PAH ACMG Specifications v1. Collection method: curation. Allele origin: germline. Inheritance: Autosomal recessive inheritance.
Comment: The c.512G>A variant in PAH is a missense variant predicted to cause substitution of glycine by glutamic acid at amino acid 171 (p.Gly171Glu). At least one patient with this variant displayed plasma phenylalanine concentration persistently above 120umol/L (2mg/dL) AND sequencing of genes in the BH4 cofactor metabolism pathway excluded a defect of BH4 cofactor metabolism, which is highly specific for PAH deficiency (PP4_Moderate, PMID: 26575882, 31332730). This variant is absent from gnomAD v4.1.0 (PM2_Supporting). The computational predictor REVEL gives a score of 0.926, which is above the threshold of 0.773 but below 0.932, evidence that correlates with moderate impact to PAH function (PP3_Moderate). Another missense variant c.512G>C (p.Gly171Ala) [ClinVar Variation ID: 102717] in the same codon has been classified as likely pathogenic for PAH deficiency by the ClinGen PAH Variant Curation Expert Panel (PM5_Supporting). In summary, this variant meets criteria to be classified as likely pathogenic for autosomal recessive PAH deficiency based on the ACMG/AMP criteria applied, as specified by the ClinGen PAH Variant Curation Expert Panel: PP4_moderate, PM2_supporting, PP3_moderate, PM5_supporting (PAH VCEP specifications version 2.0.0; approved July 16, 2024).

NM_000277.3(PAH):c.512G>A (p.Gly171Glu)

Gene: PAH (phenylalanine hydroxylase; minus strand). Cytogenetic location: 12q23.2.
Variant type: single nucleotide variant.
Coding change: c.512G>A on transcript NM_000277.3 (MANE Select); coding-DNA position 512, G replaced by A.
Protein change: p.Gly171Glu; replaces glycine 171 with glutamic acid.
Molecular consequence: missense variant.
Genome position (GRCh38, 1-based): chr12:102,855,330, C>T on the plus strand (G>A on the coding strand, the complement: PAH is on the minus strand). VCF-style: chr12-102855330-C-T. GRCh37 (hg19) VCF-style: chr12-103249108-C-T.
Other names: NM_000277.1:c.512G>A; c.512G>A, p.Gly171Glu (NM_001354304.2); short protein forms G171E.
Identifiers: ClinVar variation 4540587 (VCV004540587.1).